The following is an entry in ClinVar:

NM_001036.6(RYR3):c.6443A>G (p.Asn2148Ser)

Gene: RYR3 (ryanodine receptor 3; plus strand). Cytogenetic location: 15q14.
Variant type: single nucleotide variant.
Coding change: c.6443A>G on transcript NM_001036.6 (MANE Select); coding-DNA position 6443, A replaced by G.
Protein change: p.Asn2148Ser; replaces asparagine 2148 with serine.
Molecular consequence: missense variant.
Genome position (GRCh38, 1-based): chr15:33,701,040, A>G. VCF-style: chr15-33701040-A-G. GRCh37 (hg19) VCF-style: chr15-33993241-A-G.
Other names: c.6443A>G, p.Asn2148Ser (NM_001243996.4); short protein forms N2148S.
Identifiers: ClinVar variation 565829 (VCV000565829.9), dbSNP rs200035756, ClinGen allele CA7459563.

ClinVar aggregate classification (germline): Uncertain significance (1 of 4 stars; one submission).

Conditions:
Epileptic encephalopathy. Identifiers: MedGen C0543888, HP:0200134.

Allele frequency attached by ClinVar (database versions not stated): gnomAD exomes 0.00001; gnomAD 0.00009 and 0.00010; ExAC 0.00002; TOPMed 0.00009; ESP Exome Variant Server 0.00016.
gnomAD v4.1: 21 of 1,613,322 alleles (0.0013%); highest among the groups gnomAD compares: African/African-American, 0.028%; no homozygotes.

Submission:

Labcorp Genetics (formerly Invitae), Labcorp
Classification: Uncertain significance for Epileptic encephalopathy. Last evaluated: 2020-02-15. Review status: criteria provided, single submitter. Criteria: Invitae Variant Classification Sherloc (09022015). Collection method: clinical testing. Allele origin: germline.
Comment: Algorithms developed to predict the effect of missense changes on protein structure and function (SIFT, PolyPhen-2, Align-GVGD) all suggest that this variant is likely to be disruptive, but these predictions have not been confirmed by published functional studies and their clinical significance is uncertain. In summary, the available evidence is currently insufficient to determine the role of this variant in disease. Therefore, it has been classified as a Variant of Uncertain Significance. Algorithms developed to predict the effect of sequence changes on RNA splicing suggest that this variant may create or strengthen a splice site, but this prediction has not been confirmed by published transcriptional studies. This variant has not been reported in the literature in individuals with RYR3-related disease. This variant is present in population databases (rs200035756, ExAC 0.01%). This sequence change replaces asparagine with serine at codon 2148 of the RYR3 protein (p.Asn2148Ser). The asparagine residue is highly conserved and there is a small physicochemical difference between asparagine and serine.